The following is an entry in ClinVar:

NM_000256.3(MYBPC3):c.1977T>G (p.Ile659Met)

Gene: MYBPC3 (myosin binding protein C3; minus strand). Cytogenetic location: 11p11.2.
Variant type: single nucleotide variant.
Coding change: c.1977T>G on transcript NM_000256.3 (MANE Select); coding-DNA position 1977, T replaced by G.
Protein change: p.Ile659Met; replaces isoleucine 659 with methionine.
Molecular consequence: missense variant.
Genome position (GRCh38, 1-based): chr11:47,339,741, A>C on the plus strand (T>G on the coding strand, the complement: MYBPC3 is on the minus strand). VCF-style: chr11-47339741-A-C. GRCh37 (hg19) VCF-style: chr11-47361292-A-C.
Other names: short protein forms I659M.
Identifiers: ClinVar variation 2618441 (VCV002618441.2), dbSNP rs2095886430, ClinGen allele CA380321810.
Genomic context (GRCh38, chr11:47,339,741, plus strand): 5'-GGGAGCAGGGTCCCCAGAGATAGGGACGTCCAGACGTAGCTTATTTCCAGCTACAACCAC[A>C]ATGGTGTCTGGTATGCGGCCTGGGCAGTCCAGGTGGATCTTGGGAGGTTCTGCAGAAGAC-3'
Protein context (NP_000247.2, residues 649-669): LDCPGRIPDT[Ile659Met]VVVAGNKLRL

ClinVar aggregate classification (germline): Uncertain significance (1 of 4 stars; one submission).

Conditions:
Cardiovascular phenotype. Identifiers: MedGen CN230736.

Submission:

Ambry Genetics
Classification: Uncertain significance for Cardiovascular phenotype. Last evaluated: 2023-07-24. Review status: criteria provided, single submitter. Criteria: Ambry Variant Classification Scheme 2023. Collection method: clinical testing. Allele origin: germline.
Comment: The p.I659M variant (also known as c.1977T>G), located in coding exon 21 of the MYBPC3 gene, results from a T to G substitution at nucleotide position 1977. The isoleucine at codon 659 is replaced by methionine, an amino acid with highly similar properties. This variant co-occurred with a second variant in MYBPC3 in an individual from a hypertrophic cardiomyopathy cohort (Zou Y et al. Mol. Biol. Rep., 2013 Jun;40:3969-76). This amino acid position is highly conserved in available vertebrate species. In addition, the in silico prediction for this alteration is inconclusive. Since supporting evidence is limited at this time, the clinical significance of this alteration remains unclear.

Literature cited by the submitters: PubMed 23283745; PubMed 24503780; PubMed 29687901.